The following is an entry in ClinVar:

NM_018943.3(TUBA8):c.165G>T (p.Glu55Asp)

Gene: TUBA8 (tubulin alpha 8; plus strand). Cytogenetic location: 22q11.21.
Variant type: single nucleotide variant.
Coding change: c.165G>T on transcript NM_018943.3 (MANE Select); coding-DNA position 165, G replaced by T.
Protein change: p.Glu55Asp; replaces glutamic acid 55 with aspartic acid.
Molecular consequence: missense variant. On other transcripts: 5 prime UTR variant (1).
Genome position (GRCh38, 1-based): chr22:18,121,640, G>T. VCF-style: chr22-18121640-G-T. GRCh37 (hg19) VCF-style: chr22-18604407-G-T.
Other names: c.-34G>T (NM_001193414.2); short protein forms E55D.
Identifiers: ClinVar variation 3699274 (VCV003699274.2).

ClinVar aggregate classification (germline): Uncertain significance (1 of 4 stars; one submission).

gnomAD v4.1: 1 of 1,614,216 alleles (0.000062%); highest among the groups gnomAD compares: Non-Finnish European, 0.000085%; no homozygotes.

Submission:

Labcorp Genetics (formerly Invitae), Labcorp
Classification: Uncertain significance. Last evaluated: 2025-02-11. Review status: criteria provided, single submitter. Criteria: Invitae Variant Classification Sherloc (09022015). Collection method: clinical testing. Allele origin: germline.
Comment: This sequence change replaces glutamic acid, which is acidic and polar, with aspartic acid, which is acidic and polar, at codon 55 of the TUBA8 protein (p.Glu55Asp). This variant is not present in population databases (gnomAD no frequency). This variant has not been reported in the literature in individuals affected with TUBA8-related conditions. Invitae Evidence Modeling of protein sequence and biophysical properties (such as structural, functional, and spatial information, amino acid conservation, physicochemical variation, residue mobility, and thermodynamic stability) indicates that this missense variant is not expected to disrupt TUBA8 protein function with a negative predictive value of 80%. In summary, the available evidence is currently insufficient to determine the role of this variant in disease. Therefore, it has been classified as a Variant of Uncertain Significance.